The following is an entry in ClinVar:

NM_000053.4(ATP7B):c.-31T>C

Gene: ATP7B (ATPase copper transporting beta; minus strand). Cytogenetic location: 13q14.3.
Variant type: single nucleotide variant.
Coding change: c.-31T>C on transcript NM_000053.4 (MANE Select); 31 bases upstream of the start codon, T replaced by C.
Molecular consequence: 5 prime UTR variant.
Genome position (GRCh38, 1-based): chr13:52,011,368, A>G on the plus strand (T>C on the coding strand, the complement: ATP7B is on the minus strand). VCF-style: chr13-52011368-A-G. GRCh37 (hg19) VCF-style: chr13-52585504-A-G.
Other names: c.-31T>C (NM_001005918.3, NM_001243182.2, NM_001330578.2 and 30 more transcripts); c.-218T>C (NM_001406518.1); c.-160T>C (NM_001406539.1, NM_001406543.1).
Identifiers: ClinVar variation 4985971 (VCV004985971.1).

ClinVar aggregate classification (germline): Likely benign (1 of 4 stars; one submission).

Conditions:
ATP7B-related disorder. Also called: ATP7B-related condition.

gnomAD v4.1: 247 of 1,614,118 alleles (0.015%); highest among the groups gnomAD compares: African/African-American, 0.28%; no homozygotes.

Submission:

PreventionGenetics, part of Exact Sciences
Classification: Likely benign for ATP7B-related condition. Last evaluated: 2025-03-20. Review status: criteria provided, single submitter. Criteria: ACMG Guidelines, 2015. Collection method: clinical testing. Allele origin: germline.
Comment: This variant is classified as likely benign based on ACMG/AMP sequence variant interpretation guidelines (Richards et al. 2015 PMID: 25741868, with internal and published modifications).